The following is an entry in ClinVar:

ClinVar aggregate classification (germline): Uncertain significance (1 of 4 stars; one submission).

Submission:

GeneDx
Classification: Uncertain significance. Last evaluated: 2025-05-30. Review status: criteria provided, single submitter. Criteria: GeneDx Variant Classification Process June 2021. Collection method: clinical testing. Allele origin: germline. Affected: yes.
Comment: Not observed at significant frequency in large population cohorts (gnomAD); In silico analysis supports that this missense variant has a deleterious effect on protein structure/function; Has not been previously published as pathogenic or benign to our knowledge

NM_001135146.2(SLC39A8):c.518T>C (p.Leu173Pro)

Gene: SLC39A8 (solute carrier family 39 member 8; minus strand). Cytogenetic location: 4q24.
Variant type: single nucleotide variant.
Coding change: c.518T>C on transcript NM_001135146.2 (MANE Select); coding-DNA position 518, T replaced by C.
Protein change: p.Leu173Pro; replaces leucine 173 with proline.
Molecular consequence: missense variant.
Genome position (GRCh38, 1-based): chr4:102,307,470, A>G on the plus strand (T>C on the coding strand, the complement: SLC39A8 is on the minus strand). VCF-style: chr4-102307470-A-G. GRCh37 (hg19) VCF-style: chr4-103228627-A-G.
Other names: c.518T>C, p.Leu173Pro (NM_001135147.1, NM_022154.5); c.317T>C, p.Leu106Pro (NM_001135148.2); short protein forms L106P, L173P.
Identifiers: ClinVar variation 4532538 (VCV004532538.1).